The following is an entry in ClinVar:

NM_001114086.2(CLIC5):c.360C>T (p.Cys120=)

Gene: CLIC5 (CLIC family member 5; minus strand). Cytogenetic location: 6p21.1.
Variant type: single nucleotide variant.
Coding change: c.360C>T on transcript NM_001114086.2; coding-DNA position 360, C replaced by T.
Protein change: p.Cys120=; no amino-acid change (cysteine 120 retained).
Molecular consequence: synonymous variant. On other transcripts: intron variant (1).
Genome position (GRCh38, 1-based): chr6:46,079,883, G>A on the plus strand (C>T on the coding strand, the complement: CLIC5 is on the minus strand). VCF-style: chr6-46079883-G-A. GRCh37 (hg19) VCF-style: chr6-46047620-G-A.
Other names: c.360C>T, p.Cys120= (NM_001370650.1); c.-55+49621C>T (NM_001370649.1).
Identifiers: ClinVar variation 666677 (VCV000666677.15), dbSNP rs370825642, ClinGen allele CA3836981.

ClinVar aggregate classification (germline): Likely benign. Review status: criteria provided, multiple submitters, no conflicts (2 of 4 stars). 4 submissions from 4 submitters: Likely benign (3). 1 of the submissions does not count toward it. Last evaluated 2026-01-27.

Conditions:
CLIC5-related disorder. Also called: CLIC5-related condition.

Allele frequency attached by ClinVar (database versions not stated): 1000 Genomes Project 30x 0.00047; gnomAD 0.00025; ESP Exome Variant Server 0.00044; gnomAD exomes 0.00013 and 0.00012; TOPMed 0.00032; ExAC 0.00013; 1000 Genomes Project 0.00040.
gnomAD v4.1: 209 of 1,552,062 alleles (0.013%); highest among the groups gnomAD compares: African/African-American, 0.063%; 1 homozygote.

Submissions (4):

Labcorp Genetics (formerly Invitae), Labcorp
Classification: Likely benign. Last evaluated: 2026-01-27. Review status: criteria provided, single submitter. Criteria: Invitae Variant Classification Sherloc (09022015). Collection method: clinical testing. Allele origin: germline.

Laboratory for Molecular Medicine, Mass General Brigham Personalized Medicine
Classification: Likely benign. Last evaluated: 2017-08-23. Review status: criteria provided, single submitter. Criteria: LMM Criteria. Collection method: clinical testing. Allele origin: germline. Observed: 1 variant allele.
Comment: p.Cys120Cys in exon 1 of CLIC5: This variant is not expected to have clinical si gnificance because it does not alter an amino acid residue and is not located wi thin the splice consensus sequence. It has been identified in 0.03% (2/7914) of South Asian chromosomes by the Exome Aggregation Consortium (ExAC; dbSNP rs370825642).

Breakthrough Genomics
Classification: Likely benign. Review status: criteria provided, single submitter. Criteria: ACMG Guidelines, 2015. Collection method: not provided. Allele origin: germline. Inheritance: Autosomal recessive inheritance. Affected: yes.

PreventionGenetics, part of Exact Sciences
Classification: Likely benign for CLIC5-related condition. Last evaluated: 2019-07-11. Review status: no assertion criteria provided. Collection method: clinical testing. Allele origin: germline. Not counted in ClinVar's aggregate classification.
Comment: This variant is classified as likely benign based on ACMG/AMP sequence variant interpretation guidelines (Richards et al. 2015 PMID: 25741868, with internal and published modifications).